The following is an entry in ClinVar:

NM_006031.6(PCNT):c.8544del (p.Ala2849fs)

Gene: PCNT (pericentrin; plus strand). Cytogenetic location: 21q22.3.
Variant type: Deletion.
Coding change: c.8544del on transcript NM_006031.6 (MANE Select); coding-DNA position 8544, one base deleted (A; older notation c.8544delA).
Protein change: p.Ala2849fs; shifts the reading frame from alanine 2849.
Molecular consequence: frameshift variant. On other transcripts: intron variant (1).
Genome position (GRCh38, 1-based): chr21:46,432,008, A deleted; the last of 2 consecutive A bases (chr21:46,432,007-46,432,008); deleting either gives the same sequence. VCF-style (leftmost placement, unchanged base first): chr21-46432006-GA-G. GRCh37 (hg19) VCF-style: chr21-47851920-GA-G.
Other names: c.8544delA (NM_006031.5); c.8160+30del (NM_001315529.2); short protein forms A2849fs.
Identifiers: ClinVar variation 1418248 (VCV001418248.8), dbSNP rs1266152010, ClinGen allele CA638499647.

ClinVar aggregate classification (germline): Pathogenic. Review status: criteria provided, single submitter (1 of 4 stars). 2 submissions from 2 submitters: Pathogenic (1). 1 of the submissions does not count toward it. Last evaluated 2024-09-29.

Conditions:
PCNT-related disorder. Also called: PCNT-related condition.

Submissions (2):

Labcorp Genetics (formerly Invitae), Labcorp
Classification: Pathogenic. Last evaluated: 2024-09-29. Review status: criteria provided, single submitter. Criteria: Invitae Variant Classification Sherloc (09022015). Collection method: clinical testing. Allele origin: germline.
Comment: This sequence change creates a premature translational stop signal (p.Ala2849Profs*9) in the PCNT gene. It is expected to result in an absent or disrupted protein product. Loss-of-function variants in PCNT are known to be pathogenic (PMID: 18174396, 22821869). This variant is present in population databases (no rsID available, gnomAD 0.01%). This variant has not been reported in the literature in individuals affected with PCNT-related conditions. ClinVar contains an entry for this variant (Variation ID: 1418248). For these reasons, this variant has been classified as Pathogenic.

PreventionGenetics, part of Exact Sciences
Classification: Likely pathogenic for PCNT-related condition. Last evaluated: 2023-11-21. Review status: no assertion criteria provided. Collection method: clinical testing. Allele origin: germline. Not counted in ClinVar's aggregate classification.
Comment: The PCNT c.8544delA variant is predicted to result in a frameshift and premature protein termination (p.Ala2849Profs*9). To our knowledge, this variant has not been reported in the literature. This variant is reported in 0.012% of alleles in individuals of Latino descent in gnomAD. Frameshift variants in PCNT are expected to be pathogenic. This variant is interpreted as likely pathogenic.

Literature cited by the submitters: PubMed 18174396 (cited by Labcorp Genetics (formerly Invitae), Labcorp); PubMed 22821869 (cited by Labcorp Genetics (formerly Invitae), Labcorp).